The following is an entry in ClinVar:

ClinVar aggregate classification (germline): Uncertain significance (1 of 4 stars; one submission).

Allele frequency attached by ClinVar (database versions not stated): gnomAD exomes below 0.00001.
gnomAD v4.1: 1 of 1,612,792 alleles (0.000062%); highest among the groups gnomAD compares: Non-Finnish European, 0.000085%; no homozygotes.

Submission:

Labcorp Genetics (formerly Invitae), Labcorp
Classification: Uncertain significance. Last evaluated: 2021-06-08. Review status: criteria provided, single submitter. Criteria: Invitae Variant Classification Sherloc (09022015). Collection method: clinical testing. Allele origin: germline.
Comment: This sequence change replaces aspartic acid with glutamic acid at codon 100 of the KRT17 protein (p.Asp100Glu). The aspartic acid residue is highly conserved and there is a small physicochemical difference between aspartic acid and glutamic acid. This variant is not present in population databases (ExAC no frequency). This variant has not been reported in the literature in individuals with KRT17-related conditions. Algorithms developed to predict the effect of missense changes on protein structure and function output the following: SIFT: "Deleterious"; PolyPhen-2: "Benign"; Align-GVGD: "Class C35". The glutamic acid amino acid residue is found in multiple mammalian species, suggesting that this missense change does not adversely affect protein function. These predictions have not been confirmed by published functional studies and their clinical significance is uncertain. In summary, the available evidence is currently insufficient to determine the role of this variant in disease. Therefore, it has been classified as a Variant of Uncertain Significance.

NM_000422.3(KRT17):c.300C>A (p.Asp100Glu)

Gene: KRT17 (keratin 17; minus strand). Cytogenetic location: 17q21.2.
Variant type: single nucleotide variant.
Coding change: c.300C>A on transcript NM_000422.3 (MANE Select); coding-DNA position 300, C replaced by A.
Protein change: p.Asp100Glu; replaces aspartic acid 100 with glutamic acid.
Molecular consequence: missense variant.
Genome position (GRCh38, 1-based): chr17:41,624,210, G>T on the plus strand (C>A on the coding strand, the complement: KRT17 is on the minus strand). VCF-style: chr17-41624210-G-T. GRCh37 (hg19) VCF-style: chr17-39780462-G-T.
Other names: short protein forms D100E.
Identifiers: ClinVar variation 1436117 (VCV001436117.8), dbSNP rs2144616599, ClinGen allele CA399512374.